The following is an entry in ClinVar:

NM_001374353.1(GLI2):c.3865G>A (p.Asp1289Asn)

Gene: GLI2 (GLI family zinc finger 2; plus strand). Cytogenetic location: 2q14.2.
Variant type: single nucleotide variant.
Coding change: c.3865G>A on transcript NM_001374353.1 (MANE Select); coding-DNA position 3865, G replaced by A.
Protein change: p.Asp1289Asn; replaces aspartic acid 1289 with asparagine.
Molecular consequence: missense variant.
Genome position (GRCh38, 1-based): chr2:120,989,830, G>A. VCF-style: chr2-120989830-G-A. GRCh37 (hg19) VCF-style: chr2-121747406-G-A.
Other names: c.3916G>A, p.Asp1306Asn (NM_001371271.1, NM_005270.5); c.3490G>A, p.Asp1164Asn (NM_001374354.1); short protein forms D1306N, D1164N, D1289N.
Identifiers: ClinVar variation 95272 (VCV000095272.37), dbSNP rs12711538, ClinGen allele CA148369.

ClinVar aggregate classification (germline): Benign. Review status: criteria provided, multiple submitters, no conflicts (2 of 4 stars). 13 submissions from 12 submitters: Benign (11). 2 of the submissions do not count toward it. Last evaluated 2026-05-08.

Conditions:
Postaxial polydactyly-anterior pituitary anomalies-facial dysmorphism syndrome. Also called: Culler-Jones syndrome. Identifiers: Orphanet 420584, MedGen C4014479, MONDO:0014369, OMIM 615849.
Holoprosencephaly 9 (HPE9). Also called: PITUITARY ANOMALIES WITH HOLOPROSENCEPHALY-LIKE FEATURES; HOLOPROSENCEPHALY WITH MICROPHTHALMIA AND FIRST BRANCHIAL ARCH ANOMALIES. Identifiers: Orphanet 2162, MedGen C1835819, MONDO:0012563, OMIM 610829.

Allele frequency attached by ClinVar (database versions not stated): gnomAD exomes 0.69764 and 0.64484; 1000 Genomes Project 0.56709; gnomAD 0.66550 and 0.65735; ESP Exome Variant Server 0.67687; 1000 Genomes Project 30x 0.57214; TOPMed 0.65339; ExAC 0.64635.
gnomAD v4.1: 1,116,580 of 1,611,070 alleles (69%); highest among the groups gnomAD compares: Non-Finnish European, 73%; 391,822 homozygotes.

Submissions (13):

Women's Health and Genetics/Laboratory Corporation of America, LabCorp
Classification: Benign. Last evaluated: 2026-05-08. Review status: criteria provided, single submitter. Criteria: LabCorp Variant Classification Summary - May 2015. Collection method: clinical testing. Allele origin: germline.

Labcorp Genetics (formerly Invitae), Labcorp
Classification: Benign for Postaxial polydactyly-anterior pituitary anomalies-facial dysmorphism syndrome; Holoprosencephaly 9. Last evaluated: 2026-02-04. Review status: criteria provided, single submitter. Criteria: Invitae Variant Classification Sherloc (09022015). Collection method: clinical testing. Allele origin: germline.

ARUP Laboratories, Molecular Genetics and Genomics, ARUP Laboratories
Classification: Benign. Last evaluated: 2025-03-24. Review status: criteria provided, single submitter. Criteria: ARUP Molecular Germline Variant Investigation Process 2024. Collection method: clinical testing. Allele origin: germline.

Blueprint Genetics
Classification: Benign. Last evaluated: 2024-11-26. Review status: criteria provided, single submitter. Criteria: ACMG Guidelines, 2015. Collection method: clinical testing. Allele origin: germline.

Genome-Nilou Lab
Classification: Benign for Postaxial polydactyly-anterior pituitary anomalies-facial dysmorphism syndrome. Last evaluated: 2021-08-10. Review status: criteria provided, single submitter. Criteria: ACMG Guidelines, 2015. Collection method: clinical testing. Allele origin: germline. Affected: no.

Genome-Nilou Lab
Classification: Benign for Holoprosencephaly 9. Last evaluated: 2021-08-10. Review status: criteria provided, single submitter. Criteria: ACMG Guidelines, 2015. Collection method: clinical testing. Allele origin: germline. Affected: no.

GeneDx
Classification: Benign. Last evaluated: 2018-11-28. Review status: criteria provided, single submitter. Criteria: GeneDx Variant Classification Process June 2021. Collection method: clinical testing. Allele origin: germline. Affected: yes.

Illumina Laboratory Services, Illumina
Classification: Benign for Holoprosencephaly 9. Last evaluated: 2018-01-13. Review status: criteria provided, single submitter. Criteria: ICSL Variant Classification Criteria 13 December 2019. Collection method: clinical testing. Allele origin: germline.
Comment: This variant was observed in the ICSL laboratory as part of a predisposition screen in an ostensibly healthy population. It had not been previously curated by ICSL or reported in the Human Gene Mutation Database (HGMD: prior to June 1st, 2018), and was therefore a candidate for classification through an automated scoring system. Utilizing variant allele frequency, disease prevalence and penetrance estimates, and inheritance mode, an automated score was calculated to assess if this variant is too frequent to cause the disease. Based on the score and internal cut-off values, a variant classified as benign is not then subjected to further curation. The score for this variant resulted in a classification of benign for this disease.

Eurofins Ntd Llc (ga)
Classification: Benign. Last evaluated: 2013-05-09. Review status: criteria provided, single submitter. Criteria: EGL Classification Definitions 2015. Collection method: clinical testing. Allele origin: germline. Observed: 9 variant alleles, 4 heterozygotes, 5 homozygotes.

Breakthrough Genomics
Classification: Benign. Review status: criteria provided, single submitter. Criteria: ACMG Guidelines, 2015. Collection method: not provided. Allele origin: germline. Inheritance: Autosomal dominant inheritance. Affected: yes.

PreventionGenetics, part of Exact Sciences
Classification: Benign. Review status: criteria provided, single submitter. Criteria: ACMG Guidelines, 2015. Collection method: clinical testing. Allele origin: germline.

Clinical Genetics, Academic Medical Center
Classification: Benign. Review status: no assertion criteria provided. Collection method: clinical testing. Allele origin: germline. Affected: yes. Study: VKGL Data-share Consensus. Not counted in ClinVar's aggregate classification.

Diagnostic Laboratory, Department of Genetics, University Medical Center Groningen
Classification: Benign. Review status: no assertion criteria provided. Collection method: clinical testing. Allele origin: germline. Affected: yes. Study: VKGL Data-share Consensus. Not counted in ClinVar's aggregate classification.